The following is an entry in ClinVar:

ClinVar aggregate classification (germline): Conflicting classifications of pathogenicity. Review status: criteria provided, conflicting classifications (1 of 4 stars). 4 submissions from 4 submitters: Uncertain significance (3); Likely benign (1). Last evaluated 2025-12-21.

Conditions:
Distal myopathy with posterior leg and anterior hand involvement. Also called: WILLIAMS DISTAL MYOPATHY. Identifiers: Orphanet 63273, MedGen C3279722, MONDO:0013550, OMIM 614065.
Myofibrillar myopathy 5. Also called: Filaminopathy (type); FILAMINOPATHY, AUTOSOMAL DOMINANT. Identifiers: Orphanet 171445, MedGen C1836050, MONDO:0012289, OMIM 609524.
Hypertrophic cardiomyopathy 26. Also called: Cardiomyopathy, familial hypertrophic, 26. Identifiers: Orphanet 75249, MedGen C4310749, MONDO:0014883, OMIM 617047.
Cardiovascular phenotype. Identifiers: MedGen CN230736.

Allele frequency attached by ClinVar (database versions not stated): ExAC 0.00003; gnomAD exomes 0.00003 and 0.00005; TOPMed 0.00003; gnomAD 0.00004.
gnomAD v4.1: 53 of 1,610,644 alleles (0.0033%); highest among the groups gnomAD compares: African/African-American, 0.0027%; no homozygotes.

Submissions (4):

Labcorp Genetics (formerly Invitae), Labcorp
Classification: Likely benign for Distal myopathy with posterior leg and anterior hand involvement; Myofibrillar myopathy 5; Hypertrophic cardiomyopathy 26. Last evaluated: 2025-12-21. Review status: criteria provided, single submitter. Criteria: Invitae Variant Classification Sherloc (09022015). Collection method: clinical testing. Allele origin: germline.

Ambry Genetics
Classification: Uncertain significance for Cardiovascular phenotype. Last evaluated: 2025-04-04. Review status: criteria provided, single submitter. Criteria: Ambry Variant Classification Scheme 2023. Collection method: clinical testing. Allele origin: germline.
Comment: The p.F106L variant (also known as c.318C>G), located in coding exon 1 of the FLNC gene, results from a C to G substitution at nucleotide position 318. The phenylalanine at codon 106 is replaced by leucine, an amino acid with highly similar properties. This variant was reported in two brothers with early onset dilated cardiomyopathy and additional features who also had an FLNC truncating variant. Four family members with only the p.F106L alteration were unaffected and had normal echocardiograms (Reinstein E et al. Eur. J. Hum. Genet., 2016 12;24:1792-1796). Limited studies in rat cardiomyocytes showed some functional impact (Reinstein E et al. Eur. J. Hum. Genet., 2016 12;24:1792-1796). This amino acid position is highly conserved in available vertebrate species. In addition, this alteration is predicted to be deleterious by in silico analysis. Since supporting evidence is limited at this time, the clinical significance of this alteration remains unclear.

Blueprint Genetics
Classification: Uncertain significance. Last evaluated: 2023-01-20. Review status: criteria provided, single submitter. Criteria: ACMG Guidelines, 2015. Collection method: clinical testing. Allele origin: germline.

GeneDx
Classification: Uncertain significance. Last evaluated: 2021-04-19. Review status: criteria provided, single submitter. Criteria: GeneDx Variant Classification Process June 2021. Collection method: clinical testing. Allele origin: germline. Affected: yes.
Comment: Published functional studies demonstrate decreased FLNC protein expression (Reinstein et al., 2016), however, further studies are needed to validate the functional effect of this variant in vivo; In silico analysis supports that this missense variant has a deleterious effect on protein structure/function; This variant is associated with the following publications: (PMID: 32112656, 32154132, 27601210)

Literature cited by the submitters: PubMed 27601210 (cited by Ambry Genetics); PubMed 29144512 (cited by Ambry Genetics).

NM_001458.5(FLNC):c.318C>G (p.Phe106Leu)

Gene: FLNC (filamin C; plus strand). Cytogenetic location: 7q32.1.
Variant type: single nucleotide variant.
Coding change: c.318C>G on transcript NM_001458.5 (MANE Select); coding-DNA position 318, C replaced by G.
Protein change: p.Phe106Leu; replaces phenylalanine 106 with leucine.
Molecular consequence: missense variant.
Genome position (GRCh38, 1-based): chr7:128,830,955, C>G. VCF-style: chr7-128830955-C-G. GRCh37 (hg19) VCF-style: chr7-128471009-C-G.
Other names: c.318C>G, p.Phe106Leu (NM_001127487.2); short protein forms F106L.
Identifiers: ClinVar variation 267289 (VCV000267289.16), dbSNP rs886037829, ClinGen allele CA4473994.